The following is an entry in ClinVar:

ClinVar aggregate classification (germline): Uncertain significance (1 of 4 stars; one submission).

Conditions:
Disseminated atypical mycobacterial infection. Identifiers: MedGen C0694566.

Allele frequency attached by ClinVar (database versions not stated): TOPMed 0.00001; gnomAD 0.00002.
gnomAD v4.1: 4 of 1,610,060 alleles (0.00025%); highest among the groups gnomAD compares: African/African-American, 0.0053%; no homozygotes.

Submission:

Labcorp Genetics (formerly Invitae), Labcorp
Classification: Uncertain significance for Disseminated atypical mycobacterial infection. Last evaluated: 2024-12-16. Review status: criteria provided, single submitter. Criteria: Invitae Variant Classification Sherloc (09022015). Collection method: clinical testing. Allele origin: germline.
Comment: This sequence change replaces tyrosine, which is neutral and polar, with phenylalanine, which is neutral and non-polar, at codon 84 of the IFNGR1 protein (p.Tyr84Phe). This variant is not present in population databases (gnomAD no frequency). This variant has not been reported in the literature in individuals affected with IFNGR1-related conditions. ClinVar contains an entry for this variant (Variation ID: 1398699). Invitae Evidence Modeling of protein sequence and biophysical properties (such as structural, functional, and spatial information, amino acid conservation, physicochemical variation, residue mobility, and thermodynamic stability) indicates that this missense variant is not expected to disrupt IFNGR1 protein function with a negative predictive value of 80%. In summary, the available evidence is currently insufficient to determine the role of this variant in disease. Therefore, it has been classified as a Variant of Uncertain Significance.

NM_000416.3(IFNGR1):c.251A>T (p.Tyr84Phe)

Gene: IFNGR1 (interferon gamma receptor 1; minus strand). Cytogenetic location: 6q23.3.
Variant type: single nucleotide variant.
Coding change: c.251A>T on transcript NM_000416.3 (MANE Select); coding-DNA position 251, A replaced by T.
Protein change: p.Tyr84Phe; replaces tyrosine 84 with phenylalanine.
Molecular consequence: missense variant.
Genome position (GRCh38, 1-based): chr6:137,206,258, T>A on the plus strand (A>T on the coding strand, the complement: IFNGR1 is on the minus strand). VCF-style: chr6-137206258-T-A. GRCh37 (hg19) VCF-style: chr6-137527395-T-A.
Other names: c.221A>T, p.Tyr74Phe (NM_001363526.1); c.128A>T, p.Tyr43Phe (NM_001363527.1); short protein forms Y74F, Y43F, Y84F.
Identifiers: ClinVar variation 1398699 (VCV001398699.6), dbSNP rs180680034, ClinGen allele CA148230886.